The following is an entry in ClinVar:

NM_005356.5(LCK):c.896G>A (p.Arg299Gln)

Gene: LCK (LCK proto-oncogene, Src family tyrosine kinase; plus strand). Cytogenetic location: 1p35.2.
Variant type: single nucleotide variant.
Coding change: c.896G>A on transcript NM_005356.5 (MANE Select); coding-DNA position 896, G replaced by A.
Protein change: p.Arg299Gln; replaces arginine 299 with glutamine.
Molecular consequence: missense variant.
Genome position (GRCh38, 1-based): chr1:32,276,718, G>A. VCF-style: chr1-32276718-G-A. GRCh37 (hg19) VCF-style: chr1-32742319-G-A.
Other names: c.896G>A, p.Arg299Gln (NM_001042771.3); c.743G>A, p.Arg248Gln (NM_001330468.2); short protein forms R248Q, R299Q.
Identifiers: ClinVar variation 661966 (VCV000661966.6), dbSNP rs750936420, ClinGen allele CA741224.

ClinVar aggregate classification (germline): Uncertain significance (1 of 4 stars; one submission).

Conditions:
Severe combined immunodeficiency due to LCK deficiency. Also called: Immunodeficiency 22. Identifiers: Orphanet 280142, MedGen C4014233, MONDO:0014334, OMIM 615758.

Allele frequency attached by ClinVar (database versions not stated): TOPMed below 0.00001; gnomAD 0.00001; gnomAD exomes 0.00001; ExAC 0.00002.

Submission:

Labcorp Genetics (formerly Invitae), Labcorp
Classification: Uncertain significance for Severe combined immunodeficiency due to LCK deficiency. Last evaluated: 2018-11-13. Review status: criteria provided, single submitter. Criteria: Invitae Variant Classification Sherloc (09022015). Collection method: clinical testing. Allele origin: germline.
Comment: Algorithms developed to predict the effect of missense changes on protein structure and function (SIFT, PolyPhen-2, Align-GVGD) all suggest that this variant is likely to be disruptive, but these predictions have not been confirmed by published functional studies and their clinical significance is uncertain. In summary, the available evidence is currently insufficient to determine the role of this variant in disease. Therefore, it has been classified as a Variant of Uncertain Significance. This variant has not been reported in the literature in individuals with LCK-related disease. This variant is present in population databases (rs750936420, ExAC 0.003%). This sequence change replaces arginine with glutamine at codon 299 of the LCK protein (p.Arg299Gln). The arginine residue is highly conserved and there is a small physicochemical difference between arginine and glutamine.